The following is an entry in ClinVar:

ClinVar aggregate classification (germline): Pathogenic (1 of 4 stars; one submission).

Submission:

Labcorp Genetics (formerly Invitae), Labcorp
Classification: Pathogenic. Last evaluated: 2019-12-23. Review status: criteria provided, single submitter. Criteria: Invitae Variant Classification Sherloc (09022015). Collection method: clinical testing. Allele origin: germline.
Comment: This variant is an out-of-frame deletion of the genomic region encompassing exons 13-22 of the EYS gene. This is expected to create a premature translational stop signal and result in an absent or disrupted protein product. Deletion of exon 13-22 (also known as c.2024-?_3443+?del) has been observed as homozygous in an individual affected with retinitis pigmentosa (PMID: 29159838). Loss-of-function variants in EYS are known to be pathogenic (PMID: 18836446, 20333770). For these reasons, this variant has been classified as Pathogenic.

Literature cited by the submitters: PubMed 29159838.

NC_000006.12:g.(?_64813378)_(65057727_?)del

Gene: EYS (eyes shut homolog; minus strand). Cytogenetic location: 6q12.
Variant type: Deletion.
Identifiers: ClinVar variation 832460 (VCV000832460.1).